The following is an entry in ClinVar:

ClinVar aggregate classification (germline): Benign/Likely benign. Review status: criteria provided, multiple submitters, no conflicts (2 of 4 stars). 6 submissions from 6 submitters: Benign (4); Likely benign (1). 1 of the submissions does not count toward it. Last evaluated 2026-02-03.

Conditions:
AHDC1-related intellectual disability - obstructive sleep apnea - mild dysmorphism syndrome. Also called: Xia-Gibbs syndrome. Identifiers: Orphanet 412069, MedGen C4014419, MONDO:0014358, OMIM 615829.
AHDC1-related disorder. Also called: AHDC1-related condition.

Allele frequency attached by ClinVar (database versions not stated): gnomAD exomes 0.00258; ExAC 0.00304; ESP Exome Variant Server 0.01038; gnomAD 0.01056 and 0.01134; 1000 Genomes Project 0.01118; TOPMed 0.01207; 1000 Genomes Project 30x 0.01265.
gnomAD v4.1: 3,205 of 1,613,162 alleles (0.2%); highest among the groups gnomAD compares: African/African-American, 3.6%; 47 homozygotes.

Submissions (6):

Labcorp Genetics (formerly Invitae), Labcorp
Classification: Benign. Last evaluated: 2026-02-03. Review status: criteria provided, single submitter. Criteria: Invitae Variant Classification Sherloc (09022015). Collection method: clinical testing. Allele origin: germline.

Fulgent Genetics
Classification: Likely benign for AHDC1-related intellectual disability - obstructive sleep apnea - mild dysmorphism syndrome. Last evaluated: 2022-04-08. Review status: criteria provided, single submitter. Criteria: ACMG Guidelines, 2015. Collection method: clinical testing. Allele origin: unknown.

Genome-Nilou Lab
Classification: Benign for AHDC1-related intellectual disability - obstructive sleep apnea - mild dysmorphism syndrome. Last evaluated: 2021-12-05. Review status: criteria provided, single submitter. Criteria: ACMG Guidelines, 2015. Collection method: clinical testing. Allele origin: germline. Affected: no.

GeneDx
Classification: Benign. Last evaluated: 2020-01-15. Review status: criteria provided, single submitter. Criteria: GeneDx Variant Classification Process June 2021. Collection method: clinical testing. Allele origin: germline. Affected: yes.

Breakthrough Genomics
Classification: Benign. Review status: criteria provided, single submitter. Criteria: ACMG Guidelines, 2015. Collection method: not provided. Allele origin: germline. Inheritance: Autosomal dominant inheritance. Affected: yes.

PreventionGenetics, part of Exact Sciences
Classification: Benign for AHDC1-related condition. Last evaluated: 2019-03-22. Review status: no assertion criteria provided. Collection method: clinical testing. Allele origin: germline. Not counted in ClinVar's aggregate classification.
Comment: This variant is classified as benign based on ACMG/AMP sequence variant interpretation guidelines (Richards et al. 2015 PMID: 25741868, with internal and published modifications).

NM_001371928.1(AHDC1):c.2634C>T (p.Ala878=)

Gene: AHDC1 (AT-hook DNA binding motif containing 1; minus strand). Cytogenetic location: 1p36.11.
Variant type: single nucleotide variant.
Coding change: c.2634C>T on transcript NM_001371928.1 (MANE Select); coding-DNA position 2634, C replaced by T.
Protein change: p.Ala878=; no amino-acid change (alanine 878 retained).
Molecular consequence: synonymous variant.
Genome position (GRCh38, 1-based): chr1:27,549,482, G>A on the plus strand (C>T on the coding strand, the complement: AHDC1 is on the minus strand). VCF-style: chr1-27549482-G-A. GRCh37 (hg19) VCF-style: chr1-27875993-G-A.
Other names: c.2634C>T, p.Ala878= (NM_001029882.3); c.2634C>T (NM_001029882.2).
Identifiers: ClinVar variation 780225 (VCV000780225.16), dbSNP rs60039430, ClinGen allele CA715728.